The following is an entry in ClinVar:

ClinVar aggregate classification (germline): Uncertain significance (1 of 4 stars; one submission).

Conditions:
Hypertrophic cardiomyopathy 19. Also called: Familial hypertrophic cardiomyopathy 19. Identifiers: MedGen CN077603, MONDO:0013476.

Allele frequency attached by ClinVar (database versions not stated): gnomAD exomes below 0.00001; TOPMed 0.00001.

Submission:

Labcorp Genetics (formerly Invitae), Labcorp
Classification: Uncertain significance for Hypertrophic cardiomyopathy 19. Last evaluated: 2025-07-18. Review status: criteria provided, single submitter. Criteria: Invitae Variant Classification Sherloc (09022015). Collection method: clinical testing. Allele origin: germline.
Comment: This sequence change replaces isoleucine, which is neutral and non-polar, with threonine, which is neutral and polar, at codon 196 of the CALR3 protein (p.Ile196Thr). This variant is present in population databases (no rsID available, gnomAD 0.003%). This variant has not been reported in the literature in individuals affected with CALR3-related conditions. ClinVar contains an entry for this variant (Variation ID: 1903780). Invitae Evidence Modeling of protein sequence and biophysical properties (such as structural, functional, and spatial information, amino acid conservation, physicochemical variation, residue mobility, and thermodynamic stability) indicates that this missense variant is not expected to disrupt CALR3 protein function with a negative predictive value of 80%. In summary, the available evidence is currently insufficient to determine the role of this variant in disease. Therefore, it has been classified as a Variant of Uncertain Significance.

NM_145046.5(CALR3):c.587T>C (p.Ile196Thr)

Gene: CALR3 (calreticulin 3; minus strand). Cytogenetic location: 19p13.11.
Variant type: single nucleotide variant.
Coding change: c.587T>C on transcript NM_145046.5 (MANE Select); coding-DNA position 587, T replaced by C.
Protein change: p.Ile196Thr; replaces isoleucine 196 with threonine.
Molecular consequence: missense variant.
Genome position (GRCh38, 1-based): chr19:16,484,021, A>G on the plus strand (T>C on the coding strand, the complement: CALR3 is on the minus strand). VCF-style: chr19-16484021-A-G. GRCh37 (hg19) VCF-style: chr19-16594832-A-G.
Other names: short protein forms I196T.
Identifiers: ClinVar variation 1903780 (VCV001903780.5), dbSNP rs1258428984, ClinGen allele CA404609714.
Genomic context (GRCh38, chr19:16,484,021, plus strand): 5'-TCCTTCGATTCTGCCGGGGACGTTTCCTTCTTGAGTGATGTTAAGTTCCAGTCGTACTCT[A>G]TGCTGCCGGATTCAATTGACTGACCATCAATTTTCACATCATAAGAAAGATCTGGTCTTA-3'
Protein context (NP_659483.2, residues 186-206): IDGQSIESGS[Ile196Thr]EYDWNLTSLK